The following is an entry in ClinVar:

Conditions:
Long QT syndrome 5 (LQT5). Identifiers: Orphanet 101016, Orphanet 768, MedGen C1867904, MONDO:0013372, OMIM 613695.

gnomAD v4.1: 1 of 1,163,334 alleles (0.000086%); highest among the groups gnomAD compares: Non-Finnish European, 0.00012%; no homozygotes.

Submission:

Roden Lab, Vanderbilt University Medical Center
No classification provided (evidence only). Condition: Long QT syndrome 5. Review status: no classification provided. Collection method: in vitro. Allele origin: not applicable. Functional consequence: Effect on ion channel function.
ClinVar note: "not provided" was previously submitted as the classification for the variant. However, the classification appeared to be based only on an observation of functional data so it was converted to no classification on 2025-07-30.

NM_000219.6(KCNE1):c.151C>G (p.Leu51Val)

Gene: KCNE1 (potassium voltage-gated channel subfamily E regulatory subunit 1; minus strand). Cytogenetic location: 21q22.12.
Variant type: single nucleotide variant.
Coding change: c.151C>G on transcript NM_000219.6 (MANE Select); coding-DNA position 151, C replaced by G.
Protein change: p.Leu51Val; replaces leucine 51 with valine.
Molecular consequence: missense variant.
Genome position (GRCh38, 1-based): chr21:34,449,484, G>C on the plus strand (C>G on the coding strand, the complement: KCNE1 is on the minus strand). VCF-style: chr21-34449484-G-C. GRCh37 (hg19) VCF-style: chr21-35821782-G-C.
Other names: c.151C>G, p.Leu51Val (NM_001127668.4, NM_001127669.4, NM_001127670.4 and 4 more transcripts); short protein forms L51V.
Identifiers: ClinVar variation 3374181 (VCV003374181.2).